The following is an entry in ClinVar:

NM_001159699.2(FHL1):c.398A>G (p.Tyr133Cys)

Gene: FHL1 (four and a half LIM domains 1; plus strand). Cytogenetic location: Xq26.3.
Variant type: single nucleotide variant.
Coding change: c.398A>G on transcript NM_001159699.2 (MANE Select); coding-DNA position 398, A replaced by G.
Protein change: p.Tyr133Cys; replaces tyrosine 133 with cysteine.
Molecular consequence: missense variant. On other transcripts: non-coding transcript variant (1).
Genome position (GRCh38, 1-based): chrX:136,207,810, A>G. VCF-style: chrX-136207810-A-G. GRCh37 (hg19) VCF-style: chrX-135289969-A-G.
Other names: c.350A>G, p.Tyr117Cys (NM_001159700.2, NM_001159702.3, NM_001159703.2 and 9 more transcripts); c.437A>G, p.Tyr146Cys (NM_001159701.2); c.398A>G, p.Tyr133Cys (NM_001330659.2); short protein forms Y133C, Y146C, Y117C.
Identifiers: ClinVar variation 2794363 (VCV002794363.3), dbSNP rs2521282971, ClinGen allele CA414608327.

ClinVar aggregate classification (germline): Uncertain significance (1 of 4 stars; one submission).

Conditions:
X-linked myopathy with postural muscle atrophy. Also called: FHL1-Related Emery-Dreifuss Muscular Dystrophy, X-Linked. Identifiers: Orphanet 178461, MedGen C2678055, MONDO:0010401, OMIM 300696.

Submission:

Labcorp Genetics (formerly Invitae), Labcorp
Classification: Uncertain significance for X-linked myopathy with postural muscle atrophy. Last evaluated: 2023-07-25. Review status: criteria provided, single submitter. Criteria: Invitae Variant Classification Sherloc (09022015). Collection method: clinical testing. Allele origin: germline.
Comment: In summary, the available evidence is currently insufficient to determine the role of this variant in disease. Therefore, it has been classified as a Variant of Uncertain Significance. An algorithm developed to predict the effect of missense changes on protein structure and function (PolyPhen-2) suggests that this variant is likely to be disruptive. This variant has not been reported in the literature in individuals affected with FHL1-related conditions. This variant is not present in population databases (gnomAD no frequency). This sequence change replaces tyrosine, which is neutral and polar, with cysteine, which is neutral and slightly polar, at codon 117 of the FHL1 protein (p.Tyr117Cys).